The following is an entry in ClinVar:

ClinVar aggregate classification (germline): Benign/Likely benign. Review status: criteria provided, multiple submitters, no conflicts (2 of 4 stars). 4 submissions from 4 submitters: Benign (2); Likely benign (1). 1 of the submissions does not count toward it. Last evaluated 2025-12-08.

Conditions:
RAD50-related disorder. Also called: RAD50-related condition.
Hereditary cancer-predisposing syndrome. Also called: Tumor predisposition; Hereditary Cancer Syndrome; Hereditary neoplastic syndrome; Neoplastic Syndromes, Hereditary. Identifiers: Orphanet 140162, MedGen C0027672, MeSH D009386, MONDO:0015356.
Nijmegen breakage syndrome-like disorder (NBSLD). Also called: MICROCEPHALY AND SPONTANEOUS CHROMOSOME INSTABILITY WITHOUT IMMUNODEFICIENCY; NBS-LIKE DISORDER; RAD50 DEFICIENCY. Identifiers: Orphanet 240760, MedGen C2751318, MONDO:0013118, OMIM 613078.

Allele frequency attached by ClinVar (database versions not stated): gnomAD below 0.00001 and 0.00013; TOPMed 0.00002; gnomAD exomes 0.00019 and 0.00041; ExAC 0.00050; 1000 Genomes Project 30x 0.00109; 1000 Genomes Project 0.00140.
gnomAD v4.1: 289 of 1,613,944 alleles (0.018%); highest among the groups gnomAD compares: South Asian, 0.31%; 2 homozygotes.

Submissions (4):

Labcorp Genetics (formerly Invitae), Labcorp
Classification: Benign for Hereditary cancer-predisposing syndrome. Last evaluated: 2025-12-08. Review status: criteria provided, single submitter. Criteria: Invitae Variant Classification Sherloc (09022015). Collection method: clinical testing. Allele origin: germline.

KCCC/NGS Laboratory, Kuwait Cancer Control Center
Classification: Benign for Nijmegen breakage syndrome-like disorder. Last evaluated: 2025-02-01. Review status: criteria provided, single submitter. Criteria: ACMG Guidelines, 2015. Collection method: clinical testing. Allele origin: germline. Affected: no.

Ambry Genetics
Classification: Likely benign for Hereditary cancer-predisposing syndrome. Last evaluated: 2015-04-17. Review status: criteria provided, single submitter. Criteria: Ambry Variant Classification Scheme 2023. Collection method: clinical testing. Allele origin: germline.

PreventionGenetics, part of Exact Sciences
Classification: Likely benign for RAD50-related condition. Last evaluated: 2019-10-31. Review status: no assertion criteria provided. Collection method: clinical testing. Allele origin: germline. Not counted in ClinVar's aggregate classification.
Comment: This variant is classified as likely benign based on ACMG/AMP sequence variant interpretation guidelines (Richards et al. 2015 PMID: 25741868, with internal and published modifications).

NM_005732.4(RAD50):c.2352T>C (p.Ser784=)

Gene: RAD50 (RAD50 double strand break repair protein; plus strand). Cytogenetic location: 5q31.1.
Variant type: single nucleotide variant.
Coding change: c.2352T>C on transcript NM_005732.4 (MANE Select); coding-DNA position 2352, T replaced by C.
Protein change: p.Ser784=; no amino-acid change (serine 784 retained).
Molecular consequence: synonymous variant.
Genome position (GRCh38, 1-based): chr5:132,603,444, T>C. VCF-style: chr5-132603444-T-C. GRCh37 (hg19) VCF-style: chr5-131939136-T-C.
Identifiers: ClinVar variation 183904 (VCV000183904.19), dbSNP rs534731345, ClinGen allele CA333825.